The following is an entry in ClinVar:

NM_033284.2(TBL1Y):c.490G>A (p.Asp164Asn)

Gene: TBL1Y (transducin beta like 1 Y-linked; plus strand). Cytogenetic location: Yp11.2.
Variant type: single nucleotide variant.
Coding change: c.490G>A on transcript NM_033284.2 (MANE Select); coding-DNA position 490, G replaced by A.
Protein change: p.Asp164Asn; replaces aspartic acid 164 with asparagine.
Molecular consequence: missense variant.
Genome position (GRCh38, 1-based): chrY:7,070,228, G>A. VCF-style: chrY-7070228-G-A. GRCh37 (hg19) VCF-style: chrY-6938269-G-A.
Other names: c.490G>A, p.Asp164Asn (NM_134258.2, NM_134259.2); short protein forms D164N.
Identifiers: ClinVar variation 3032479 (VCV003032479.2), dbSNP rs779411676, ClinGen allele CA10572141.

ClinVar aggregate classification (germline): Likely benign (0 of 4 stars; one submission).

Conditions:
TBL1Y-related disorder. Also called: TBL1Y-related condition.

Allele frequency attached by ClinVar (database versions not stated): ExAC 0.00012; gnomAD 0.00012; gnomAD exomes 0.00035.
gnomAD v4.1: 125 of 394,548 alleles (0.032%); highest among the groups gnomAD compares: Non-Finnish European, 0.043%; no homozygotes.

Submission:

PreventionGenetics, part of Exact Sciences
Classification: Likely benign for TBL1Y-related condition. Last evaluated: 2023-01-25. Review status: no assertion criteria provided. Collection method: clinical testing. Allele origin: germline.
Comment: This variant is classified as likely benign based on ACMG/AMP sequence variant interpretation guidelines (Richards et al. 2015 PMID: 25741868, with internal and published modifications).